The following is an entry in ClinVar:

NM_002693.3(POLG):c.2255T>C (p.Leu752Pro)

Gene: POLG (DNA polymerase gamma, catalytic subunit; minus strand). Cytogenetic location: 15q26.1.
Variant type: single nucleotide variant.
Coding change: c.2255T>C on transcript NM_002693.3 (MANE Select); coding-DNA position 2255, T replaced by C.
Protein change: p.Leu752Pro; replaces leucine 752 with proline.
Molecular consequence: missense variant.
Genome position (GRCh38, 1-based): chr15:89,323,414, A>G on the plus strand (T>C on the coding strand, the complement: POLG is on the minus strand). VCF-style: chr15-89323414-A-G. GRCh37 (hg19) VCF-style: chr15-89866645-A-G.
Other names: c.2255T>C, p.Leu752Pro (NM_001126131.2); c.2255T>C (NM_002693.2); short protein forms L752P.
Identifiers: ClinVar variation 1017643 (VCV001017643.12), dbSNP rs2055426653, ClinGen allele CA393756643.

ClinVar aggregate classification (germline): Conflicting classifications of pathogenicity. Review status: criteria provided, conflicting classifications (1 of 4 stars). 4 submissions from 4 submitters: Likely pathogenic (1); Uncertain significance (3). Last evaluated 2025-05-11.

Conditions:
POLG-related disorder. Also called: POLG-related condition; POLG-Related Disorders; POLG-Related Spectrum Disorders. Identifiers: MedGen C4763519.
Mitochondrial DNA depletion syndrome 1. Also called: Mitochondrial Neurogastrointestinal Encephalopathy Disease; MITOCHONDRIAL NEUROGASTROINTESTINAL ENCEPHALOPATHY SYNDROME, TYMP-RELATED; MNGIE, TYMP-RELATED; POLIP SYNDROME; POLYNEUROPATHY, OPHTHALMOPLEGIA, LEUKOENCEPHALOPATHY, AND INTESTINAL PSEUDOOBSTRUCTION; Mitochondrial DNA depletion syndrome 1 (MNGIE type). Identifiers: Orphanet 298, MedGen C4551995, MONDO:0011283, OMIM 603041.
Progressive sclerosing poliodystrophy (MTDPS4A). Also called: ALPERS PROGRESSIVE INFANTILE POLIODYSTROPHY; ALPERS DIFFUSE DEGENERATION OF CEREBRAL GRAY MATTER WITH HEPATIC CIRRHOSIS; Alpers-Huttenlocher Syndrome; NEURONAL DEGENERATION OF CHILDHOOD WITH LIVER DISEASE, PROGRESSIVE; Alpers Syndrome; Mitochondrial DNA Depletion Syndrome 4A. Identifiers: Orphanet 726, MedGen C0205710, MONDO:0008758, OMIM 203700.
Mitochondrial DNA depletion syndrome 4b. Also called: MNGIE, POLG-RELATED; Mitochondrial Neurogastrointestinal Encephalopathy Disease, POLG-Related. Identifiers: Orphanet 298, MedGen C3150914, MONDO:0013350, OMIM 613662.
Progressive external ophthalmoplegia with mitochondrial DNA deletions, autosomal dominant 1 (PEOA1). Also called: Autosomal Dominant Progressive External Ophthalmoplegia (adPEO); PROGRESSIVE EXTERNAL OPHTHALMOPLEGIA, AUTOSOMAL DOMINANT 1. Identifiers: MedGen C1834846, MONDO:0024528, OMIM 157640.
Progressive external ophthalmoplegia with mitochondrial DNA deletions, autosomal recessive 1 (PEOB1). Also called: Autosomal Recessive Progressive External Ophthalmoplegia (arPEO); Progressive external ophthalmoplegia, autosomal recessive 1. Identifiers: Orphanet 254886, MedGen C4225153, MONDO:0009783, OMIM 258450.
Sensory ataxic neuropathy, dysarthria, and ophthalmoparesis (SANDO). Also called: Sensory ataxic neuropathy-dysarthria-ophthalmoparesis syndrome; Epilepsy, progressive myoclonic, type 5; SENSORY ATAXIC NEUROPATHY WITH MITOCHONDRIAL DNA DELETIONS, AUTOSOMAL RECESSIVE; Ataxia Neuropathy Spectrum (ANS). Identifiers: Orphanet 70595, MedGen C1843851, MONDO:0011835, OMIM 607459.

Submissions (4):

Labcorp Genetics (formerly Invitae), Labcorp
Classification: Uncertain significance for Progressive sclerosing poliodystrophy. Last evaluated: 2025-05-11. Review status: criteria provided, single submitter. Criteria: Invitae Variant Classification Sherloc (09022015). Collection method: clinical testing. Allele origin: germline.
Comment: This sequence change replaces leucine, which is neutral and non-polar, with proline, which is neutral and non-polar, at codon 752 of the POLG protein (p.Leu752Pro). This variant is not present in population databases (gnomAD no frequency). This missense change has been observed in individual(s) with clinical features of a POLG-related condition (PMID: 18716558). ClinVar contains an entry for this variant (Variation ID: 1017643). Invitae Evidence Modeling of protein sequence and biophysical properties (such as structural, functional, and spatial information, amino acid conservation, physicochemical variation, residue mobility, and thermodynamic stability) indicates that this missense variant is expected to disrupt POLG protein function with a positive predictive value of 95%. In summary, the available evidence is currently insufficient to determine the role of this variant in disease. Therefore, it has been classified as a Variant of Uncertain Significance.

GeneDx
Classification: Likely pathogenic. Last evaluated: 2025-03-07. Review status: criteria provided, single submitter. Criteria: GeneDx Variant Classification Process June 2021. Collection method: clinical testing. Allele origin: germline. Affected: yes.
Comment: Not observed at significant frequency in large population cohorts (gnomAD); In silico analysis supports that this missense variant has a deleterious effect on protein structure/function; This variant is associated with the following publications: (PMID: 21824913, 23792104, 25638290, 18716558)

Fulgent Genetics
Classification: Uncertain significance for Progressive external ophthalmoplegia with mitochondrial DNA deletions, autosomal dominant 1; Progressive sclerosing poliodystrophy; Progressive external ophthalmoplegia with mitochondrial DNA deletions, autosomal recessive 1; Mitochondrial DNA depletion syndrome 1; Sensory ataxic neuropathy, dysarthria, and ophthalmoparesis; Mitochondrial DNA depletion syndrome 4b. Last evaluated: 2022-03-22. Review status: criteria provided, single submitter. Criteria: ACMG Guidelines, 2015. Collection method: clinical testing. Allele origin: unknown.

Illumina Laboratory Services, Illumina
Classification: Uncertain significance for POLG-related disorder. Last evaluated: 2021-11-18. Review status: criteria provided, single submitter. Criteria: ICSLVariantClassificationCriteria RUGD 01 April 2020. Collection method: clinical testing. Allele origin: unknown.
Comment: The POLG c.2255T>C (p.Leu752Pro) variant is a missense variant. This variant is not found in the Genome Aggregation Database version 2.1.1 or 3.1.2 in a region of good sequence coverage, so the variant is presumed to be rare. The Gly763 residue is located in the spacer domain, which is involved in binding to DNA (Euro et al. 2011). Based on the limited evidence, the p.Leu752Pro variant is classified as a variant of uncertain significance for POLG-related spectrum disorders.

Literature cited by the submitters: PubMed 18716558 (cited by Labcorp Genetics (formerly Invitae), Labcorp and Illumina Laboratory Services, Illumina); PubMed 21824913 (cited by Illumina Laboratory Services, Illumina).